The following is an entry in ClinVar:

ClinVar aggregate classification (germline): Uncertain significance. Review status: criteria provided, multiple submitters, no conflicts (2 of 4 stars). 3 submissions from 3 submitters: Uncertain significance (3). Last evaluated 2025-08-21.

Conditions:
Inborn genetic diseases. Identifiers: MedGen C0950123, MeSH D030342.

Allele frequency attached by ClinVar (database versions not stated): gnomAD 0.00001; TOPMed 0.00001; ExAC 0.00002; gnomAD exomes 0.00002.
gnomAD v4.1: 24 of 1,609,942 alleles (0.0015%); highest among the groups gnomAD compares: Middle Eastern, 0.016%; no homozygotes.

Submissions (3):

Labcorp Genetics (formerly Invitae), Labcorp
Classification: Uncertain significance. Last evaluated: 2025-08-21. Review status: criteria provided, single submitter. Criteria: Invitae Variant Classification Sherloc (09022015). Collection method: clinical testing. Allele origin: germline.
Comment: This sequence change replaces arginine, which is basic and polar, with glutamine, which is neutral and polar, at codon 28 of the RARS protein (p.Arg28Gln). This variant is present in population databases (rs775450122, gnomAD 0.006%). This variant has not been reported in the literature in individuals affected with RARS-related conditions. ClinVar contains an entry for this variant (Variation ID: 1899222). An algorithm developed to predict the effect of missense changes on protein structure and function outputs the following: PolyPhen-2: "Benign". The glutamine amino acid residue is found in multiple mammalian species, which suggests that this missense change does not adversely affect protein function. In summary, the available evidence is currently insufficient to determine the role of this variant in disease. Therefore, it has been classified as a Variant of Uncertain Significance.

Ambry Genetics
Classification: Uncertain significance for Inborn genetic diseases. Last evaluated: 2025-04-09. Review status: criteria provided, single submitter. Criteria: Ambry Variant Classification Scheme 2023. Collection method: clinical testing. Allele origin: germline.

GeneDx
Classification: Uncertain significance. Last evaluated: 2024-11-26. Review status: criteria provided, single submitter. Criteria: GeneDx Variant Classification Process June 2021. Collection method: clinical testing. Allele origin: germline. Affected: yes.
Comment: Not observed at significant frequency in large population cohorts (gnomAD); In silico analysis indicates that this missense variant does not alter protein structure/function; Has not been previously published as pathogenic or benign to our knowledge

NM_002887.4(RARS1):c.83G>A (p.Arg28Gln)

Gene: RARS1 (arginyl-tRNA synthetase 1; plus strand). Cytogenetic location: 5q34.
Variant type: single nucleotide variant.
Coding change: c.83G>A on transcript NM_002887.4 (MANE Select); coding-DNA position 83, G replaced by A.
Protein change: p.Arg28Gln; replaces arginine 28 with glutamine.
Molecular consequence: missense variant.
Genome position (GRCh38, 1-based): chr5:168,488,639, G>A. VCF-style: chr5-168488639-G-A. GRCh37 (hg19) VCF-style: chr5-167915644-G-A.
Other names: c.83G>A (NM_002887.3); short protein forms R28Q.
Identifiers: ClinVar variation 1899222 (VCV001899222.7), dbSNP rs775450122, ClinGen allele CA3549515.
Genomic context (GRCh38, chr5:168,488,639, plus strand): 5'-AAAAAGTGCTTTTTTTCCCACAGGAAGAAGAGATTAAATCTCTGACTGCTGAAATTGACC[G>A]GTTGAAAAACTGTGGCTGTTTAGGAGCTTCTCCAAATTTGGAGCAGTTACAAGAAGAAAA-3'
Protein context (NP_002878.2, residues 18-38): EIKSLTAEID[Arg28Gln]LKNCGCLGAS